The following is an entry in ClinVar:

NM_004260.4(RECQL4):c.2565C>A (p.Cys855Ter)

Gene: RECQL4 (RecQ like helicase 4; minus strand). Cytogenetic location: 8q24.3.
Variant type: single nucleotide variant.
Coding change: c.2565C>A on transcript NM_004260.4 (MANE Select); coding-DNA position 2565, C replaced by A.
Protein change: p.Cys855Ter; replaces cysteine 855 with a stop codon.
Molecular consequence: nonsense. On other transcripts: non-coding transcript variant (3).
Genome position (GRCh38, 1-based): chr8:144,513,037, G>T on the plus strand (C>A on the coding strand, the complement: RECQL4 is on the minus strand). VCF-style: chr8-144513037-G-T. GRCh37 (hg19) VCF-style: chr8-145738420-G-T.
Other names: c.2271C>A, p.Cys757Ter (NM_001413017.1); c.2367C>A, p.Cys789Ter (NM_001413018.1); c.2565C>A, p.Cys855Ter (NM_001413019.1, NM_001413036.1); c.2469C>A, p.Cys823Ter (NM_001413020.1); c.1494C>A, p.Cys498Ter (NM_001413021.1, NM_001413022.1, NM_001413023.1 and 5 more transcripts); c.2436C>A, p.Cys812Ter (NM_001413025.1); c.1428C>A, p.Cys476Ter (NM_001413027.1, NM_001413041.1, NM_001413030.1 and 1 more transcripts); c.2535C>A, p.Cys845Ter (NM_001413039.1); and 6 more; short protein forms C366*, C432*, C454*, C476*, C488*, C498*, C738*, C757*.
Identifiers: ClinVar variation 4819962 (VCV004819962.1).

ClinVar aggregate classification (germline): Pathogenic (1 of 4 stars; one submission).

Conditions:
Fetal anomalies with a likely genetic cause.

gnomAD v4.1: 1 of 1,575,806 alleles (0.000063%); highest among the groups gnomAD compares: Non-Finnish European, 0.000086%; no homozygotes.

Submission:

Genetics Laboratory, Great Ormond Street Hospital NHS Foundation Trust, North Thames Genomic Laboratory Hub
Classification: Pathogenic for Fetal anomalies with a likely genetic cause. Last evaluated: 2026-02-09. Review status: criteria provided, single submitter. Criteria: ACGS Best Practice Guidelines for Variant Classification in Rare Disease 2024 v1.2. Collection method: clinical testing. Allele origin: germline. Affected: yes.
Comment: PM2_moderate, PVS1_very-strong